The following is an entry in ClinVar:

ClinVar aggregate classification (germline): Uncertain significance (1 of 4 stars; one submission).

Conditions:
Inborn genetic diseases. Identifiers: MedGen C0950123, MeSH D030342.

Allele frequency attached by ClinVar (database versions not stated): gnomAD exomes below 0.00001.
gnomAD v4.1: 1 of 1,612,698 alleles (0.000062%); highest among the groups gnomAD compares: Non-Finnish European, 0.000085%; no homozygotes.

Submission:

Ambry Genetics
Classification: Uncertain significance for Inborn genetic diseases. Last evaluated: 2023-02-28. Review status: criteria provided, single submitter. Criteria: Ambry Variant Classification Scheme 2023. Collection method: clinical testing. Allele origin: germline.
Comment: The p.L2436P variant (also known as c.7307T>C), located in coding exon 49 of the LRRK2 gene, results from a T to C substitution at nucleotide position 7307. The leucine at codon 2436 is replaced by proline, an amino acid with similar properties. This amino acid position is conserved. In addition, the in silico prediction for this alteration is inconclusive. Since supporting evidence is limited at this time, the clinical significance of this alteration remains unclear.

NM_198578.4(LRRK2):c.7307T>C (p.Leu2436Pro)

Gene: LRRK2 (leucine rich repeat kinase 2; plus strand). Cytogenetic location: 12q12.
Variant type: single nucleotide variant.
Coding change: c.7307T>C on transcript NM_198578.4 (MANE Select); coding-DNA position 7307, T replaced by C.
Protein change: p.Leu2436Pro; replaces leucine 2436 with proline.
Molecular consequence: missense variant.
Genome position (GRCh38, 1-based): chr12:40,364,967, T>C. VCF-style: chr12-40364967-T-C. GRCh37 (hg19) VCF-style: chr12-40758769-T-C.
Other names: short protein forms L2436P.
Identifiers: ClinVar variation 2453133 (VCV002453133.2), dbSNP rs2500038203, ClinGen allele CA384415111.